The following is an entry in ClinVar:

NM_000297.4(PKD2):c.1716+1G>A

Gene: PKD2 (polycystin 2, transient receptor potential cation channel; plus strand). Cytogenetic location: 4q22.1.
Variant type: single nucleotide variant.
Coding change: c.1716+1G>A on transcript NM_000297.4 (MANE Select); the canonical splice donor site of the intron after coding-DNA position 1716, G replaced by A.
Molecular consequence: splice donor variant.
Genome position (GRCh38, 1-based): chr4:88,052,159, G>A. VCF-style: chr4-88052159-G-A. GRCh37 (hg19) VCF-style: chr4-88973311-G-A.
Identifiers: ClinVar variation 3591397 (VCV003591397.2).

ClinVar aggregate classification (germline): Likely pathogenic. Review status: criteria provided, multiple submitters, no conflicts (2 of 4 stars). 2 submissions from 2 submitters: Likely pathogenic (2). Last evaluated 2024-01-25.

Conditions:
Polycystic kidney disease 2 (PKD2). Also called: POLYCYSTIC KIDNEY DISEASE, ADULT, TYPE II; Polycystic Kidney Disease 2, Autosomal Dominant; POLYCYSTIC KIDNEY DISEASE 2 WITH OR WITHOUT POLYCYSTIC LIVER DISEASE. Identifiers: MedGen C2751306, MONDO:0013131, OMIM 613095.

Submissions (2):

Fulgent Genetics
Classification: Likely pathogenic for Polycystic kidney disease 2. Last evaluated: 2024-01-25. Review status: criteria provided, single submitter. Criteria: ACMG Guidelines, 2015. Collection method: clinical testing. Allele origin: germline.

Juno Genomics, Hangzhou Juno Genomics, Inc
Classification: Likely pathogenic for Polycystic kidney disease 2. Review status: criteria provided, single submitter. Criteria: ACMG Guidelines, 2015. Collection method: clinical testing. Allele origin: germline. Affected: yes.
Comment: Absent from controls (or at extremely low frequency if recessive) in Genome Aggregation Database.;Null variant in a gene where loss of function (LOF) is a known mechanism of disease.;The prevalence of the variant in affected individuals is significantly increased compared to the prevalence in controls.;Patient's phenotype or family history is highly specific for a disease with a single genetic etiology.;Co-segregation with disease in multiple affected family members.